The following is an entry in ClinVar:

ClinVar aggregate classification (germline): Conflicting classifications of pathogenicity. Review status: criteria provided, conflicting classifications (1 of 4 stars). 9 submissions from 9 submitters: Likely pathogenic (5); Uncertain significance (3). 1 of the submissions does not count toward it. Last evaluated 2026-07-17.

Conditions:
DDX41-related disorder. Also called: DDX41-related condition.
DDX41-related hematologic malignancy predisposition syndrome. Also called: DDX41-Associated Familial Myelodysplastic Syndrome and Acute Myeloid Leukemia; Myeloproliferative/lymphoproliferative neoplasms, familial (multiple types), susceptibility to. Identifiers: Orphanet 488647, MedGen C4225174, MONDO:0014809, OMIM 616871.
Inborn genetic diseases. Identifiers: MedGen C0950123, MeSH D030342.

Allele frequency attached by ClinVar (database versions not stated): gnomAD 0.00002; gnomAD exomes 0.00002; TOPMed 0.00002; ExAC 0.00003; ESP Exome Variant Server 0.00008.

Submissions (9):

PreventionGenetics, part of Exact Sciences
Classification: Likely pathogenic for DDX41-related condition. Last evaluated: 2026-07-17. Review status: criteria provided, single submitter. Criteria: ACMG Guidelines, 2015. Collection method: clinical testing. Allele origin: germline.
Comment: The DDX41 c.653G>A variant is predicted to result in the amino acid substitution p.Gly218Asp. This variant was reported in multiple individuals with myelodysplastic syndrome or acute myeloid leukemia (Table S1, Bannon et al. 2020. PubMed ID: 33585199; Li et al. 2022. PubMed ID: 35671390, Tierens et al. 2023. PubMed ID: 37434984; Table S3, Makishima et al. 2023. PubMed ID: 36322930). Functional in vitro studies demonstrated this variant impaired cellular proliferation and cell cycle (Tierens et al. 2023. PubMed ID: 37434984). This variant is reported in 0.0039% of alleles in individuals of European (non-Finnish) descent in gnomAD. This variant is interpreted as likely pathogenic.

Labcorp Genetics (formerly Invitae), Labcorp
Classification: Uncertain significance. Last evaluated: 2026-01-12. Review status: criteria provided, single submitter. Criteria: Invitae Variant Classification Sherloc (09022015). Collection method: clinical testing. Allele origin: germline.
Comment: This sequence change replaces glycine, which is neutral and non-polar, with aspartic acid, which is acidic and polar, at codon 218 of the DDX41 protein (p.Gly218Asp). This variant is present in population databases (rs371460149, gnomAD 0.003%). This missense change has been observed in individual(s) with myeloid neoplasm (PMID: 33585199, 35671390, 37199125, 37216690, 37506341, 37665752; internal data). ClinVar contains an entry for this variant (Variation ID: 1217660). An algorithm developed to predict the effect of missense changes on protein structure and function (PolyPhen-2) suggests that this variant is likely to be disruptive. In summary, the available evidence is currently insufficient to determine the role of this variant in disease. Therefore, it has been classified as a Variant of Uncertain Significance.

GeneDx
Classification: Likely pathogenic. Last evaluated: 2025-05-29. Review status: criteria provided, single submitter. Criteria: GeneDx Variant Classification Process June 2021. Collection method: clinical testing. Allele origin: germline. Affected: yes.
Comment: Published functional studies demonstrate reduced cellular growth and impaired cell cycle progression (PMID: 37434984); Not observed at significant frequency in large population cohorts (gnomAD); In silico analysis supports that this missense variant has a deleterious effect on protein structure/function; This variant is associated with the following publications: (PMID: 36672294, 37216690, 37434984, 35671390, TrottierA2024[review], 33585199, 35443031, 37199125, 37506341, 37665752, 27721487, 40040251)

CeGaT Center for Human Genetics Tuebingen
Classification: Likely pathogenic. Last evaluated: 2025-04-01. Review status: criteria provided, single submitter. Criteria: CeGaT Center For Human Genetics Tuebingen Variant Classification Criteria Version 2. Collection method: clinical testing. Allele origin: germline. Affected: yes. Observed: 1 variant allele.
Comment: DDX41: PS3, PS4

Ambry Genetics
Classification: Uncertain significance for Inborn genetic diseases. Last evaluated: 2024-12-07. Review status: criteria provided, single submitter. Criteria: Ambry Variant Classification Scheme 2023. Collection method: clinical testing. Allele origin: germline.
Comment: The p.G218D variant (also known as c.653G>A), located in coding exon 8 of the DDX41 gene, results from a G to A substitution at nucleotide position 653. The glycine at codon 218 is replaced by aspartic acid, an amino acid with similar properties. This alteration has been detected in numerous individuals with a suspected or confirmed myeloid neoplasm (Bannon SA et al. Front Oncol, 2020 Jan;10:582213; Duployez N et al. Blood, 2022 Aug;140:756-768; Li P et al. Blood, 2022 Aug;140:716-755; Makishima H et al. Blood, 2023 Feb;141:534-549; Tierens A et al. Front Oncol, 2023 Jun;13:1153082; Molteni E et al. Blood, 2023 Aug;142:643-657; Badar T et al. Haematologica, 2023 Nov;108:3033-3043). Functional studies showed disrupted cellular growth and proliferation; however, the physiological relevance of these findings are unclear (Tierens A et al. Front Oncol, 2023 Jun;13:1153082). This amino acid position is highly conserved in available vertebrate species. In addition, the in silico prediction for this alteration is inconclusive. Based on the available evidence, the clinical significance of this variant remains unclear.

Molecular Pathology, Peter Maccallum Cancer Centre
Classification: Likely pathogenic for DDX41-related hematologic malignancy predisposition syndrome. Last evaluated: 2024-08-06. Review status: criteria provided, single submitter. Criteria: ACMG Guidelines, 2015. Collection method: clinical testing. Allele origin: germline.

Genetic Services Laboratory, University of Chicago
Classification: Uncertain significance. Last evaluated: 2019-12-09. Review status: criteria provided, single submitter. Criteria: ACMG Guidelines, 2015. Collection method: clinical testing. Allele origin: germline. Affected: no.

University Health Network, Familial Cancer Clinic, Princess Margaret Cancer Centre
Classification: Likely pathogenic for DDX41-related hematologic malignancy predisposition syndrome. Review status: criteria provided, single submitter. Criteria: ACMG Guidelines, 2015. Collection method: clinical testing. Allele origin: germline. Inheritance: Autosomal dominant inheritance. Affected: yes. Observed: 1 variant allele.

Clinical Genomics Labs, University Health Network
Classification: Uncertain significance for DDX41-related hematologic malignancy predisposition syndrome. Last evaluated: 2018-10-31. Review status: no assertion criteria provided. Criteria: ACMG Guidelines, 2015. Collection method: clinical testing. Allele origin: germline. Affected: yes. Not counted in ClinVar's aggregate classification.

Literature cited by the submitters: PubMed 33585199 (cited by Labcorp Genetics (formerly Invitae), Labcorp and Ambry Genetics); PubMed 35671390 (cited by Labcorp Genetics (formerly Invitae), Labcorp and Ambry Genetics); PubMed 37199125 (cited by Labcorp Genetics (formerly Invitae), Labcorp and Ambry Genetics); PubMed 37216690 (cited by Labcorp Genetics (formerly Invitae), Labcorp and Ambry Genetics); PubMed 37506341 (cited by Labcorp Genetics (formerly Invitae), Labcorp); PubMed 37665752 (cited by Labcorp Genetics (formerly Invitae), Labcorp); PubMed 35443031 (cited by Ambry Genetics); PubMed 36322930 (cited by Ambry Genetics); PubMed 37434984 (cited by Ambry Genetics).

NM_016222.4(DDX41):c.653G>A (p.Gly218Asp)

Gene: DDX41 (DEAD-box helicase 41; minus strand). Cytogenetic location: 5q35.3.
Variant type: single nucleotide variant.
Coding change: c.653G>A on transcript NM_016222.4 (MANE Select); coding-DNA position 653, G replaced by A.
Protein change: p.Gly218Asp; replaces glycine 218 with aspartic acid.
Molecular consequence: missense variant.
Genome position (GRCh38, 1-based): chr5:177,515,061, C>T on the plus strand (G>A on the coding strand, the complement: DDX41 is on the minus strand). VCF-style: chr5-177515061-C-T. GRCh37 (hg19) VCF-style: chr5-176942062-C-T.
Other names: c.653G>A (NM_016222.3); c.275G>A, p.Gly92Asp (NM_001321732.2, NM_001321830.2); short protein forms G218D, G92D.
Identifiers: ClinVar variation 1217660 (VCV001217660.31), dbSNP rs371460149, ClinGen allele CA3585062.
Genomic context (GRCh38, chr5:177,515,061, plus strand): 5'-GGCAACGTGAACACCAGTGTCTTGCCTGAACCCGTGAAAGCGATGCCTATCATGTCACGG[C>T]CAGATAGACTGTTGGGAGAGGATGACCCGAGGGCCAATTTCAACAGAAGATGAAGGACAC-3'
Protein context (NP_057306.2, residues 208-228): QIQGIPTILS[Gly218Asp]RDMIGIAFTG